The following is an entry in ClinVar:

NM_001128178.3(NPHP1):c.1886G>A (p.Trp629Ter)

Gene: NPHP1 (nephrocystin 1; minus strand). Cytogenetic location: 2q13.
Variant type: single nucleotide variant.
Coding change: c.1886G>A on transcript NM_001128178.3 (MANE Select); coding-DNA position 1886, G replaced by A.
Protein change: p.Trp629Ter; replaces tryptophan 629 with a stop codon.
Molecular consequence: nonsense. On other transcripts: 3 prime UTR variant (1).
Genome position (GRCh38, 1-based): chr2:110,123,939, C>T on the plus strand (G>A on the coding strand, the complement: NPHP1 is on the minus strand). VCF-style: chr2-110123939-C-T. GRCh37 (hg19) VCF-style: chr2-110881516-C-T.
Other names: c.2054G>A, p.Trp685Ter (NM_000272.5); c.1697G>A, p.Trp566Ter (NM_001128179.3); c.1883G>A, p.Trp628Ter (NM_001374256.1); c.*128G>A (NM_001374257.1); c.2051G>A, p.Trp684Ter (NM_207181.4); short protein forms W629*, W628*, W566*, W684*, W685*.
Identifiers: ClinVar variation 854715 (VCV000854715.11), dbSNP rs1311042980, ClinGen allele CA348086119.

ClinVar aggregate classification (germline): Pathogenic/Likely pathogenic. Review status: criteria provided, multiple submitters, no conflicts (2 of 4 stars). 3 submissions from 3 submitters: Pathogenic (1); Likely pathogenic (2). Last evaluated 2023-03-18.

Conditions:
Nephronophthisis. Also called: Juvenile Nephronophthisis. Identifiers: Orphanet 655, MedGen C0687120, MONDO:0019005, HP:0000090.
Senior-Loken syndrome 1 (SLSN1). Also called: JUVENILE NEPHRONOPHTHISIS WITH LEBER AMAUROSIS. Identifiers: Orphanet 3156, MedGen C4551559, MONDO:0009962, OMIM 266900.
Nephronophthisis 1 (NPHP1). Also called: Nephronophthisis familial juvenile. Identifiers: Orphanet 655, Orphanet 93592, MedGen C1855681, MONDO:0009728, OMIM 256100.
Joubert syndrome with renal defect. Also called: JOUBERT SYNDROME 4. Identifiers: Orphanet 220497, MedGen C1846790, MONDO:0012308, OMIM 609583.

Allele frequency attached by ClinVar (database versions not stated): TOPMed below 0.00001; gnomAD 0.00001.
gnomAD v4.1: 1 of 1,614,022 alleles (0.000062%); highest among the groups gnomAD compares: African/African-American, 0.0013%; no homozygotes.

Submissions (3):

Baylor Genetics
Classification: Likely pathogenic for Joubert syndrome with renal defect. Last evaluated: 2023-03-18. Review status: criteria provided, single submitter. Criteria: ACMG Guidelines, 2015. Collection method: clinical testing. Allele origin: unknown.

Labcorp Genetics (formerly Invitae), Labcorp
Classification: Pathogenic for Nephronophthisis. Last evaluated: 2022-11-08. Review status: criteria provided, single submitter. Criteria: Invitae Variant Classification Sherloc (09022015). Collection method: clinical testing. Allele origin: germline.
Comment: For these reasons, this variant has been classified as Pathogenic. This variant disrupts a region of the NPHP1 protein in which other variant(s) (p.Ser718*) have been determined to be pathogenic (PMID: 23559409). This suggests that this is a clinically significant region of the protein, and that variants that disrupt it are likely to be disease-causing. Algorithms developed to predict the effect of sequence changes on RNA splicing suggest that this variant may disrupt the consensus splice site. ClinVar contains an entry for this variant (Variation ID: 854715). This premature translational stop signal has been observed in individual(s) with clinical features of NPHP1-related conditions (Invitae). In at least one individual the data is consistent with being in trans (on the opposite chromosome) from a pathogenic variant. This variant is not present in population databases (gnomAD no frequency). This sequence change creates a premature translational stop signal (p.Trp685*) in the NPHP1 gene. While this is not anticipated to result in nonsense mediated decay, it is expected to disrupt the last 49 amino acid(s) of the NPHP1 protein.

Fulgent Genetics
Classification: Likely pathogenic for Nephronophthisis 1; Senior-Loken syndrome 1; Joubert syndrome with renal defect. Last evaluated: 2022-04-11. Review status: criteria provided, single submitter. Criteria: ACMG Guidelines, 2015. Collection method: clinical testing. Allele origin: unknown.

Literature cited by the submitters: PubMed 23559409 (cited by Labcorp Genetics (formerly Invitae), Labcorp).